The following is an entry in ClinVar:

NM_003482.4(KMT2D):c.7060C>T (p.Pro2354Ser)

Gene: KMT2D (lysine methyltransferase 2D; minus strand). Cytogenetic location: 12q13.12.
Variant type: single nucleotide variant.
Coding change: c.7060C>T on transcript NM_003482.4 (MANE Select); coding-DNA position 7060, C replaced by T.
Protein change: p.Pro2354Ser; replaces proline 2354 with serine.
Molecular consequence: missense variant.
Genome position (GRCh38, 1-based): chr12:49,040,710, G>A on the plus strand (C>T on the coding strand, the complement: KMT2D is on the minus strand). VCF-style: chr12-49040710-G-A. GRCh37 (hg19) VCF-style: chr12-49434493-G-A.
Other names: short protein forms P2354S.
Identifiers: ClinVar variation 309048 (VCV000309048.14), dbSNP rs369458206, ClinGen allele CA6547127.

ClinVar aggregate classification (germline): Benign/Likely benign. Review status: criteria provided, multiple submitters, no conflicts (2 of 4 stars). 3 submissions from 3 submitters: Benign (1); Likely benign (1). 1 of the submissions does not count toward it. Last evaluated 2025-10-14.

Conditions:
KMT2D-related disorder. Also called: KMT2D-Related Disorders.
Kabuki syndrome. Also called: Kabuki make-up syndrome; NIIKAWA-KUROKI SYNDROME. Identifiers: Orphanet 2322, MedGen C0796004, MONDO:0016512.

Allele frequency attached by ClinVar (database versions not stated): ExAC 0.00003; gnomAD exomes 0.00004; ESP Exome Variant Server 0.00017; gnomAD 0.00021 and 0.00023; TOPMed 0.00024.
gnomAD v4.1: 127 of 1,613,684 alleles (0.0079%); highest among the groups gnomAD compares: African/African-American, 0.073%; no homozygotes.

Submissions (3):

Labcorp Genetics (formerly Invitae), Labcorp
Classification: Benign for Kabuki syndrome. Last evaluated: 2025-10-14. Review status: criteria provided, single submitter. Criteria: Invitae Variant Classification Sherloc (09022015). Collection method: clinical testing. Allele origin: germline.

GeneDx
Classification: Likely benign. Last evaluated: 2021-01-22. Review status: criteria provided, single submitter. Criteria: GeneDx Variant Classification Process June 2021. Collection method: clinical testing. Allele origin: germline. Affected: yes.

PreventionGenetics, part of Exact Sciences
Classification: Likely benign for KMT2D-related condition. Last evaluated: 2022-07-04. Review status: no assertion criteria provided. Collection method: clinical testing. Allele origin: germline. Not counted in ClinVar's aggregate classification.
Comment: This variant is classified as likely benign based on ACMG/AMP sequence variant interpretation guidelines (Richards et al. 2015 PMID: 25741868, with internal and published modifications).